The following is an entry in ClinVar:

NM_015030.2(FRYL):c.3338_3339del (p.Ser1113fs)

Gene: FRYL (FRY like transcription coactivator; minus strand). Cytogenetic location: 4p11.
Variant type: Deletion.
Coding change: c.3338_3339del on transcript NM_015030.2 (MANE Select); coding-DNA positions 3338 to 3339, 2 bases deleted (CT; older notation c.3338_3339delCT).
Protein change: p.Ser1113fs; shifts the reading frame from serine 1113.
Molecular consequence: frameshift variant.
Genome position (GRCh38, 1-based): chr4:48,565,035-48,565,036, AG deleted on the plus strand (CT on the coding strand, the reverse complement: FRYL is on the minus strand); deleting any 2 consecutive bases within chr4:48,565,035-48,565,037 gives the same sequence; the c. name uses the placement nearest the transcript's 3' end. VCF-style (leftmost placement, unchanged base first): chr4-48565034-CAG-C. GRCh37 (hg19) VCF-style: chr4-48567051-CAG-C.
Other names: short protein forms S1113fs.
Identifiers: ClinVar variation 5001501 (VCV005001501.1).
Genomic context (GRCh38, chr4:48,565,034, plus strand): 5'-ACAAATAGCCATCTGATGAAAGTCCTACATTATCTGCAACAGGGCCACAACACAGTACAG[CAG>C]ACATAGCCTTCAAATAATAATATTAGAATTACATTTAACAAATTTAAGAGGTTAAATGTT-3'

ClinVar aggregate classification (germline): Uncertain significance (1 of 4 stars; one submission).

Conditions:
FRYL-related disorder.

Submission:

PreventionGenetics, part of Exact Sciences
Classification: Uncertain significance for FRYL-related condition. Last evaluated: 2025-12-09. Review status: criteria provided, single submitter. Criteria: ACMG Guidelines, 2015. Collection method: clinical testing. Allele origin: germline.
Comment: The FRYL c.3338_3339delCT variant is predicted to result in a frameshift and premature protein termination (p.Ser1113Cysfs*11). To our knowledge, this variant has not been reported in the literature or in a large population database (gnomAD), indicating this variant is rare. There is emerging evidence regarding de novo loss of function variants being a mechanism of FRYL-related disease (Pan et al. 2024. PubMed ID: 38479391). However, while we suspect that this variant may be pathogenic, at this time, the clinical significance of this variant is uncertain due to the absence of conclusive functional and genetic evidence.